The following is an entry in ClinVar:

ClinVar aggregate classification (germline): Uncertain significance. Review status: criteria provided, multiple submitters, no conflicts (2 of 4 stars). 2 submissions from 2 submitters: Uncertain significance (2). Last evaluated 2024-03-03.

Conditions:
Brugada syndrome 8 (BRGDA8). Identifiers: Orphanet 130, MedGen C2751083, MONDO:0013148, OMIM 613123.
Cardiovascular phenotype. Identifiers: MedGen CN230736.

Allele frequency attached by ClinVar (database versions not stated): TOPMed 0.00001; gnomAD exomes 0.00003; ExAC 0.00004.
gnomAD v4.1: 10 of 1,606,778 alleles (0.00062%); highest among the groups gnomAD compares: Admixed American, 0.015%; no homozygotes.

Submissions (2):

Labcorp Genetics (formerly Invitae), Labcorp
Classification: Uncertain significance for Brugada syndrome 8. Last evaluated: 2024-03-03. Review status: criteria provided, single submitter. Criteria: Invitae Variant Classification Sherloc (09022015). Collection method: clinical testing. Allele origin: germline.
Comment: This sequence change replaces threonine, which is neutral and polar, with proline, which is neutral and non-polar, at codon 1181 of the HCN4 protein (p.Thr1181Pro). This variant is present in population databases (rs761260469, gnomAD 0.02%). This variant has not been reported in the literature in individuals affected with HCN4-related conditions. ClinVar contains an entry for this variant (Variation ID: 941815). Advanced modeling of protein sequence and biophysical properties (such as structural, functional, and spatial information, amino acid conservation, physicochemical variation, residue mobility, and thermodynamic stability) performed at Invitae indicates that this missense variant is not expected to disrupt HCN4 protein function with a negative predictive value of 95%. In summary, the available evidence is currently insufficient to determine the role of this variant in disease. Therefore, it has been classified as a Variant of Uncertain Significance.

Ambry Genetics
Classification: Uncertain significance for Cardiovascular phenotype. Last evaluated: 2023-11-11. Review status: criteria provided, single submitter. Criteria: Ambry Variant Classification Scheme 2023. Collection method: clinical testing. Allele origin: germline.
Comment: The p.T1181P variant (also known as c.3541A>C), located in coding exon 8 of the HCN4 gene, results from an A to C substitution at nucleotide position 3541. The threonine at codon 1181 is replaced by proline, an amino acid with highly similar properties. This amino acid position is conserved. In addition, the in silico prediction for this alteration is inconclusive. Since supporting evidence is limited at this time, the clinical significance of this alteration remains unclear.

NM_005477.3(HCN4):c.3541A>C (p.Thr1181Pro)

Gene: HCN4 (hyperpolarization activated cyclic nucleotide gated potassium channel 4; minus strand). Cytogenetic location: 15q24.1.
Variant type: single nucleotide variant.
Coding change: c.3541A>C on transcript NM_005477.3 (MANE Select); coding-DNA position 3541, A replaced by C.
Protein change: p.Thr1181Pro; replaces threonine 1181 with proline.
Molecular consequence: missense variant.
Genome position (GRCh38, 1-based): chr15:73,322,552, T>G on the plus strand (A>C on the coding strand, the complement: HCN4 is on the minus strand). VCF-style: chr15-73322552-T-G. GRCh37 (hg19) VCF-style: chr15-73614893-T-G.
Other names: short protein forms T1181P.
Identifiers: ClinVar variation 941815 (VCV000941815.10), dbSNP rs761260469, ClinGen allele CA7648806.